The following is an entry in ClinVar:

NM_021614.4(KCNN2):c.594G>C (p.Gln198His)

Gene: KCNN2 (potassium calcium-activated channel subfamily N member 2; plus strand). Cytogenetic location: 5q22.3.
Variant type: single nucleotide variant.
Coding change: c.594G>C on transcript NM_021614.4 (MANE Select); coding-DNA position 594, G replaced by C.
Protein change: p.Gln198His; replaces glutamine 198 with histidine.
Molecular consequence: missense variant. On other transcripts: non-coding transcript variant (1).
Genome position (GRCh38, 1-based): chr5:114,362,733, G>C. VCF-style: chr5-114362733-G-C. GRCh37 (hg19) VCF-style: chr5-113698430-G-C.
Other names: c.792G>C, p.Gln264His (NM_001372233.1); short protein forms Q198H, Q264H.
Identifiers: ClinVar variation 3367064 (VCV003367064.1).
Genomic context (GRCh38, chr5:114,362,733, plus strand): 5'-CGGGCCCCCGCTCTCGCACCACCACCACCACCCGCACCCGGCGCACCACCAGCACCACCA[G>C]CCCCAGGCGCGCCGCGAGAGCAACCCCTTCACCGAAATAGCCATGAGCAGCTGCAGGTAC-3'
Protein context (NP_067627.3, residues 188-208): HPHPAHHQHH[Gln198His]PQARRESNPF

ClinVar aggregate classification (germline): Uncertain significance (1 of 4 stars; one submission).

Conditions:
Neurodevelopmental disorder with or without variable movement or behavioral abnormalities (NEDMAB). Identifiers: MedGen C5676908, MONDO:0859225, OMIM 619725.

Submission:

Neuberg Centre For Genomic Medicine, NCGM
Classification: Uncertain significance for Neurodevelopmental disorder with or without variable movement or behavioral abnormalities. Last evaluated: 2023-05-20. Review status: criteria provided, single submitter. Criteria: ACMG Guidelines, 2015. Collection method: clinical testing. Allele origin: germline. Inheritance: Autosomal dominant inheritance. Affected: yes.
Comment: The missense c.594G>C (p.Gln198His) variant in the KCNN2 gene has not been reported previously as a pathogenic variant nor as a benign variant, to our knowledge. This variant is absent in the gnomAD Exomes. The amino acid Glutamine at position 198 is changed to a Histidine changing protein sequence and it might alter its composition and physico-chemical properties. Computational evidence (SIFT-Tolerated and MutationTaster - Disease causing) predicts conflicting evidence on protein structure and function for this variant. The amino acid Glutamine in KCNN2 is predicted as conserved by GERP++ and PhyloP across 100 vertebrates. For these reasons, this variant has been classified as Uncertain Significance.